The following is an entry in ClinVar:

NM_007254.4(PNKP):c.198+3A>G

Gene: PNKP (polynucleotide kinase 3'-phosphatase; minus strand). Cytogenetic location: 19q13.33.
Variant type: single nucleotide variant.
Coding change: c.198+3A>G on transcript NM_007254.4 (MANE Select); 3 bases into the intron after coding-DNA position 198, A replaced by G.
Molecular consequence: intron variant.
Genome position (GRCh38, 1-based): chr19:49,866,396, T>C on the plus strand (A>G on the coding strand, the complement: PNKP is on the minus strand). VCF-style: chr19-49866396-T-C. GRCh37 (hg19) VCF-style: chr19-50369653-T-C.
Identifiers: ClinVar variation 5002853 (VCV005002853.1).

ClinVar aggregate classification (germline): Uncertain significance (1 of 4 stars; one submission).

Conditions:
Microcephaly, seizures, and developmental delay. Identifiers: Orphanet 1934, MedGen C3150667, MONDO:0013254, OMIM 613402.

Submission:

OLLIN Analises Genomicas, OLLIN
Classification: Uncertain significance for Microcephaly, seizures, and developmental delay. Last evaluated: 2026-08-06. Review status: criteria provided, single submitter. Criteria: ACMG Guidelines 2015 PMID 25741868. Collection method: clinical testing. Allele origin: germline. Inheritance: Autosomal recessive inheritance.
Comment: This variant is absent from gnomAD and ClinVar and has not been found in the scientific literature. According to the currently available evidence, this variant has been classified as uncertain significance (PM2_P, PP3).